The following is an entry in ClinVar:

NM_004380.3(CREBBP):c.472del (p.Gln158fs)

Gene: CREBBP (CREB binding lysine acetyltransferase; minus strand). Cytogenetic location: 16p13.3.
Variant type: Deletion.
Coding change: c.472del on transcript NM_004380.3 (MANE Select); coding-DNA position 472, one base deleted (C; older notation c.472delC).
Protein change: p.Gln158fs; shifts the reading frame from glutamine 158.
Molecular consequence: frameshift variant.
Genome position (GRCh38, 1-based): chr16:3,850,623, G deleted on the plus strand (C on the coding strand, the reverse complement: CREBBP is on the minus strand). VCF-style (leftmost placement, unchanged base first): chr16-3850622-TG-T. GRCh37 (hg19) VCF-style: chr16-3900623-TG-T.
Other names: c.472delC (NM_004380.2); c.472del, p.Gln158fs (NM_001079846.1); short protein forms Q158fs.
Identifiers: ClinVar variation 458200 (VCV000458200.8), dbSNP rs1555496581, ClinGen allele CA658658390.

ClinVar aggregate classification (germline): Pathogenic (1 of 4 stars; one submission).

Conditions:
Rubinstein-Taybi syndrome (RSTS). Identifiers: Orphanet 783, MedGen C0035934, MONDO:0019188.

Submission:

Labcorp Genetics (formerly Invitae), Labcorp
Classification: Pathogenic for Rubinstein-Taybi syndrome. Last evaluated: 2017-02-10. Review status: criteria provided, single submitter. Criteria: Invitae Variant Classification Sherloc (09022015). Collection method: clinical testing. Allele origin: germline.
Comment: For these reasons, this variant has been classified as Pathogenic. While this particular variant has not been reported in the literature, loss-of-function variants in CREBBP are known to be pathogenic (PMID: 17052327, 18792986). This sequence change deletes 1 nucleotide from exon 2 of the CREBBP mRNA (c.472delC), causing a frameshift at codon 158. This creates a premature translational stop signal (p.Gln158Lysfs*20) and is expected to result in an absent or disrupted protein product.

Literature cited by the submitters: PubMed 17052327; PubMed 18792986.